The following is an entry in ClinVar:

NM_001127178.3(PIGG):c.*9_*10insGAAAAATAATACATAGACT

Gene: PIGG (phosphatidylinositol glycan anchor biosynthesis class G (EMM blood group); plus strand). Cytogenetic location: 4p16.3.
Variant type: Insertion.
Coding change: c.*9_*10insGAAAAATAATACATAGACT on transcript NM_001127178.3 (MANE Select); 9 bases downstream of the stop codon through 10 bases downstream of the stop codon, GAAAAATAATACATAGACT inserted.
Molecular consequence: 3 prime UTR variant. On other transcripts: non-coding transcript variant (10).
Genome position: GRCh38 VCF-style: chr4-539378-G-GGAAAAATAATACATAGACT. GRCh37 (hg19) VCF-style: chr4-533167-G-GGAAAAATAATACATAGACT.
Other names: c.*9_*10insGAAAAATAATACATAGACT (NM_001289051.2, NM_001289052.2, NM_001345986.2 and 6 more transcripts).
Identifiers: ClinVar variation 4527496 (VCV004527496.1).

ClinVar aggregate classification (germline): Uncertain significance (1 of 4 stars; one submission).

Submission:

GeneDx
Classification: Uncertain significance. Last evaluated: 2025-05-01. Review status: criteria provided, single submitter. Criteria: GeneDx Variant Classification Process June 2021. Collection method: clinical testing. Allele origin: germline. Affected: yes.
Comment: Not observed at significant frequency in large population cohorts (gnomAD); Located in a region that tolerates variation and lacks pathogenic variants; Has not been previously published as pathogenic or benign to our knowledge